The following is an entry in ClinVar:

ClinVar aggregate classification (germline): Conflicting classifications of pathogenicity. Review status: criteria provided, conflicting classifications (1 of 4 stars). 3 submissions from 3 submitters: Uncertain significance (1); Likely benign (1). 1 of the submissions does not count toward it. Last evaluated 2022-12-30.

Conditions:
Ehlers-Danlos syndrome, dermatosparaxis type. Also called: Ehlers-Danlos syndrome, type VII, autosomal recessive; EDS VIIC; Dermatosparaxis. Identifiers: Orphanet 1901, MedGen C2700425, MONDO:0009161, OMIM 225410.

Submissions (3):

GeneDx
Classification: Likely benign. Last evaluated: 2022-12-30. Review status: criteria provided, single submitter. Criteria: GeneDx Variant Classification Process June 2021. Collection method: clinical testing. Allele origin: germline. Affected: yes.
Comment: See Variant Classification Assertion Criteria.

Labcorp Genetics (formerly Invitae), Labcorp
Classification: Uncertain significance for Ehlers-Danlos syndrome, dermatosparaxis type. Last evaluated: 2022-08-20. Review status: criteria provided, single submitter. Criteria: Invitae Variant Classification Sherloc (09022015). Collection method: clinical testing. Allele origin: germline.
Comment: This variant, c.51_52insTTG, results in the insertion of 1 amino acid(s) of the ADAMTS2 protein (p.Leu23dup), but otherwise preserves the integrity of the reading frame. The frequency data for this variant in the population databases is considered unreliable, as metrics indicate poor data quality at this position in the gnomAD database. This variant has not been reported in the literature in individuals affected with ADAMTS2-related conditions. ClinVar contains an entry for this variant (Variation ID: 656039). Experimental studies and prediction algorithms are not available or were not evaluated, and the functional significance of this variant is currently unknown. In summary, the available evidence is currently insufficient to determine the role of this variant in disease. Therefore, it has been classified as a Variant of Uncertain Significance.

Natera, Inc.
Classification: Uncertain significance for Ehlers-Danlos syndrome type VIIC. Last evaluated: 2020-04-20. Review status: no assertion criteria provided. Collection method: clinical testing. Allele origin: germline. Not counted in ClinVar's aggregate classification.

NM_014244.5(ADAMTS2):c.51_52insTTG (p.Leu23dup)

Gene: ADAMTS2 (ADAM metallopeptidase with thrombospondin type 1 motif 2; minus strand). Cytogenetic location: 5q35.3.
Variant type: Insertion.
Coding change: c.51_52insTTG on transcript NM_014244.5 (MANE Select); coding-DNA positions 51 to 52, TTG inserted.
Protein change: p.Leu23dup; duplicates leucine 23.
Molecular consequence: inframe insertion.
Genome position: GRCh38 VCF-style: chr5-179345277-G-GCAA. GRCh37 (hg19) VCF-style: chr5-178772278-G-GCAA.
Other names: c.51_52insTTG, p.Leu23dup (NM_021599.4).
Identifiers: ClinVar variation 656039 (VCV000656039.8), dbSNP rs1365580904, ClinGen allele CA565121246.